The following is an entry in ClinVar:

NM_004991.4(MECOM):c.2479C>T (p.Pro827Ser)

Gene: MECOM (MDS1 and EVI1 complex locus; minus strand). Cytogenetic location: 3q26.2.
Variant type: single nucleotide variant.
Coding change: c.2479C>T on transcript NM_004991.4 (MANE Select); coding-DNA position 2479, C replaced by T.
Protein change: p.Pro827Ser; replaces proline 827 with serine.
Molecular consequence: missense variant.
Genome position (GRCh38, 1-based): chr3:169,115,393, G>A on the plus strand (C>T on the coding strand, the complement: MECOM is on the minus strand). VCF-style: chr3-169115393-G-A. GRCh37 (hg19) VCF-style: chr3-168833181-G-A.
Other names: c.2110C>T, p.Pro704Ser (NM_001105077.4); c.1915C>T, p.Pro639Ser (NM_001105078.4, NM_001164000.2, NM_001205194.2 and 4 more transcripts); c.1918C>T, p.Pro640Ser (NM_001163999.2, NM_001366467.2, NM_001366468.2 and 1 more transcripts); c.2479C>T, p.Pro827Ser (NM_001366466.2); c.1507C>T, p.Pro503Ser (NM_001366473.2); c.943C>T, p.Pro315Ser (NM_001366474.2); c.2479C>T (NM_004991.3); short protein forms P315S, P704S, P639S, P827S, P503S, P640S.
Identifiers: ClinVar variation 1975342 (VCV001975342.6), dbSNP rs1560182220, ClinGen allele CA355084220.

ClinVar aggregate classification (germline): Uncertain significance. Review status: criteria provided, multiple submitters, no conflicts (2 of 4 stars). 2 submissions from 2 submitters: Uncertain significance (2). Last evaluated 2024-11-17.

Conditions:
Inborn genetic diseases. Identifiers: MedGen C0950123, MeSH D030342.

Allele frequency attached by ClinVar (database versions not stated): gnomAD exomes below 0.00001.

Submissions (2):

Ambry Genetics
Classification: Uncertain significance for Inborn genetic diseases. Last evaluated: 2024-11-17. Review status: criteria provided, single submitter. Criteria: Ambry Variant Classification Scheme 2023. Collection method: clinical testing. Allele origin: germline.
Comment: The p.P827S variant (also known as c.2479C>T), located in coding exon 8 of the MECOM gene, results from a C to T substitution at nucleotide position 2479. The proline at codon 827 is replaced by serine, an amino acid with similar properties. This amino acid position is conserved. In addition, the in silico prediction for this alteration is inconclusive. Based on the available evidence, the clinical significance of this variant remains unclear.

Labcorp Genetics (formerly Invitae), Labcorp
Classification: Uncertain significance. Last evaluated: 2022-03-01. Review status: criteria provided, single submitter. Criteria: Invitae Variant Classification Sherloc (09022015). Collection method: clinical testing. Allele origin: germline.
Comment: This sequence change replaces proline, which is neutral and non-polar, with serine, which is neutral and polar, at codon 639 of the MECOM protein (p.Pro639Ser). This variant is not present in population databases (gnomAD no frequency). This variant has not been reported in the literature in individuals affected with MECOM-related conditions. Algorithms developed to predict the effect of missense changes on protein structure and function are either unavailable or do not agree on the potential impact of this missense change (SIFT: "Tolerated"; PolyPhen-2: "Probably Damaging"; Align-GVGD: "Class C0"). In summary, the available evidence is currently insufficient to determine the role of this variant in disease. Therefore, it has been classified as a Variant of Uncertain Significance.